The following is an entry in ClinVar:

ClinVar aggregate classification (germline): Uncertain significance. Review status: criteria provided, multiple submitters, no conflicts (2 of 4 stars). 2 submissions from 2 submitters: Uncertain significance (2). Last evaluated 2025-05-17.

Conditions:
SEMA3E-related disorder. Also called: SEMA3E-related condition.
CHARGE syndrome (CHARGE). Also called: Coloboma, heart anomaly, choanal atresia, retardation, genital and ear anomalies; CHARGE association; Hall-Hittner syndrome; Hittner Hirsch Kreh syndrome; CHARGE ASSOCIATION--COLOBOMA, HEART ANOMALY, CHOANAL ATRESIA, RETARDATION, GENITAL AND EAR ANOMALIES. Identifiers: Orphanet 138, MedGen C0265354, MONDO:0008965.

Allele frequency attached by ClinVar (database versions not stated): gnomAD exomes below 0.00001.

Submissions (2):

PreventionGenetics, part of Exact Sciences
Classification: Uncertain significance for SEMA3E-related condition. Last evaluated: 2025-05-17. Review status: criteria provided, single submitter. Criteria: ACMG Guidelines, 2015. Collection method: clinical testing. Allele origin: germline.
Comment: The SEMA3E c.517G>T variant is predicted to result in the amino acid substitution p.Asp173Tyr. To our knowledge, this variant has not been reported in the literature. This variant is reported in 0.00089% of alleles in individuals of European (Non-Finnish) descent in gnomAD. At this time, the clinical significance of this variant is uncertain due to the absence of conclusive functional and genetic evidence.

Labcorp Genetics (formerly Invitae), Labcorp
Classification: Uncertain significance for CHARGE syndrome. Last evaluated: 2022-10-13. Review status: criteria provided, single submitter. Criteria: Invitae Variant Classification Sherloc (09022015). Collection method: clinical testing. Allele origin: germline.
Comment: ClinVar contains an entry for this variant (Variation ID: 1507232). This variant has not been reported in the literature in individuals affected with SEMA3E-related conditions. This variant is not present in population databases (gnomAD no frequency). This sequence change replaces aspartic acid, which is acidic and polar, with tyrosine, which is neutral and polar, at codon 173 of the SEMA3E protein (p.Asp173Tyr). Advanced modeling of protein sequence and biophysical properties (such as structural, functional, and spatial information, amino acid conservation, physicochemical variation, residue mobility, and thermodynamic stability) has been performed at Invitae for this missense variant, however the output from this modeling did not meet the statistical confidence thresholds required to predict the impact of this variant on SEMA3E protein function. In summary, the available evidence is currently insufficient to determine the role of this variant in disease. Therefore, it has been classified as a Variant of Uncertain Significance.

NM_012431.3(SEMA3E):c.517G>T (p.Asp173Tyr)

Gene: SEMA3E (semaphorin 3E; minus strand). Cytogenetic location: 7q21.11.
Variant type: single nucleotide variant.
Coding change: c.517G>T on transcript NM_012431.3 (MANE Select); coding-DNA position 517, G replaced by T.
Protein change: p.Asp173Tyr; replaces aspartic acid 173 with tyrosine.
Molecular consequence: missense variant.
Genome position (GRCh38, 1-based): chr7:83,418,423, C>A on the plus strand (G>T on the coding strand, the complement: SEMA3E is on the minus strand). VCF-style: chr7-83418423-C-A. GRCh37 (hg19) VCF-style: chr7-83047739-C-A.
Other names: c.337G>T, p.Asp113Tyr (NM_001178129.2); c.517G>T (NM_012431.2); short protein forms D173Y, D113Y.
Identifiers: ClinVar variation 1507232 (VCV001507232.9), dbSNP rs1562773446, ClinGen allele CA367934192.